The following is an entry in ClinVar:

ClinVar aggregate classification (germline): Uncertain significance (1 of 4 stars; one submission).

Conditions:
Hereditary cancer-predisposing syndrome. Also called: Neoplastic Syndromes, Hereditary; Tumor predisposition; Hereditary neoplastic syndrome; Hereditary Cancer Syndrome. Identifiers: Orphanet 140162, MedGen C0027672, MeSH D009386, MONDO:0015356.

Submission:

Ambry Genetics
Classification: Uncertain significance for Hereditary cancer-predisposing syndrome. Last evaluated: 2024-05-10. Review status: criteria provided, single submitter. Criteria: Ambry Variant Classification Scheme 2023. Collection method: clinical testing. Allele origin: germline.
Comment: The p.H1309L variant (also known as c.3926A>T), located in coding exon 27 of the SMARCA4 gene, results from an A to T substitution at nucleotide position 3926. The histidine at codon 1309 is replaced by leucine, an amino acid with similar properties. This amino acid position is conserved. In addition, the in silico prediction for this alteration is inconclusive. Based on the available evidence, the clinical significance of this variant remains unclear.

NM_003072.5(SMARCA4):c.3926A>T (p.His1309Leu)

Gene: SMARCA4 (SWI/SNF related BAF chromatin remodeling complex subunit ATPase 4; plus strand). Cytogenetic location: 19p13.2.
Variant type: single nucleotide variant.
Coding change: c.3926A>T on transcript NM_003072.5 (MANE Select); coding-DNA position 3926, A replaced by T.
Protein change: p.His1309Leu; replaces histidine 1309 with leucine.
Molecular consequence: missense variant. On other transcripts: non-coding transcript variant (1).
Genome position (GRCh38, 1-based): chr19:11,034,175, A>T. VCF-style: chr19-11034175-A-T. GRCh37 (hg19) VCF-style: chr19-11144851-A-T.
Other names: c.3926A>T, p.His1309Leu (NM_001128844.3, NM_001128849.3, NM_001387283.1); c.3827A>T, p.His1276Leu (NM_001128845.2, NM_001128846.2, NM_001128847.4 and 3 more transcripts); short protein forms H1309L, H1276L.
Identifiers: ClinVar variation 3320741 (VCV003320741.1).